The following is an entry in ClinVar:

ClinVar aggregate classification (germline): Uncertain significance (1 of 4 stars; one submission).

Conditions:
Hypertrophic cardiomyopathy 26. Also called: Cardiomyopathy, familial hypertrophic, 26. Identifiers: Orphanet 75249, MedGen C4310749, MONDO:0014883, OMIM 617047.
Myofibrillar myopathy 5. Also called: Filaminopathy (type); FILAMINOPATHY, AUTOSOMAL DOMINANT. Identifiers: Orphanet 171445, MedGen C1836050, MONDO:0012289, OMIM 609524.
Distal myopathy with posterior leg and anterior hand involvement. Also called: WILLIAMS DISTAL MYOPATHY. Identifiers: Orphanet 63273, MedGen C3279722, MONDO:0013550, OMIM 614065.

Submission:

Labcorp Genetics (formerly Invitae), Labcorp
Classification: Uncertain significance for Distal myopathy with posterior leg and anterior hand involvement; Myofibrillar myopathy 5; Hypertrophic cardiomyopathy 26. Last evaluated: 2022-11-23. Review status: criteria provided, single submitter. Criteria: Invitae Variant Classification Sherloc (09022015). Collection method: clinical testing. Allele origin: germline.
Comment: In summary, the available evidence is currently insufficient to determine the role of this variant in disease. Therefore, it has been classified as a Variant of Uncertain Significance. Algorithms developed to predict the effect of sequence changes on RNA splicing suggest that this variant may create or strengthen a splice site. Advanced modeling of protein sequence and biophysical properties (such as structural, functional, and spatial information, amino acid conservation, physicochemical variation, residue mobility, and thermodynamic stability) has been performed at Invitae for this missense variant, however the output from this modeling did not meet the statistical confidence thresholds required to predict the impact of this variant on FLNC protein function. This variant has not been reported in the literature in individuals affected with FLNC-related conditions. This variant is not present in population databases (gnomAD no frequency). This sequence change replaces arginine, which is basic and polar, with leucine, which is neutral and non-polar, at codon 1002 of the FLNC protein (p.Arg1002Leu).

NM_001458.5(FLNC):c.3005G>T (p.Arg1002Leu)

Gene: FLNC (filamin C; plus strand). Cytogenetic location: 7q32.1.
Variant type: single nucleotide variant.
Coding change: c.3005G>T on transcript NM_001458.5 (MANE Select); coding-DNA position 3005, G replaced by T.
Protein change: p.Arg1002Leu; replaces arginine 1002 with leucine.
Molecular consequence: missense variant.
Genome position (GRCh38, 1-based): chr7:128,844,079, G>T. VCF-style: chr7-128844079-G-T. GRCh37 (hg19) VCF-style: chr7-128484133-G-T.
Other names: c.3005G>T, p.Arg1002Leu (NM_001127487.2); short protein forms R1002L.
Identifiers: ClinVar variation 2941741 (VCV002941741.3), dbSNP rs202039743, ClinGen allele CA369193915.